The following is an entry in ClinVar:

ClinVar aggregate classification (germline): Uncertain significance. Review status: criteria provided, multiple submitters, no conflicts (2 of 4 stars). 2 submissions from 2 submitters: Uncertain significance (2). Last evaluated 2024-06-17.

Allele frequency attached by ClinVar (database versions not stated): gnomAD 0.00002; ExAC 0.00003; gnomAD exomes 0.00003; TOPMed 0.00004; 1000 Genomes Project 30x 0.00016; 1000 Genomes Project 0.00020.
gnomAD v4.1: 40 of 1,608,908 alleles (0.0025%); highest among the groups gnomAD compares: Middle Eastern, 0.017%; no homozygotes.

Submissions (2):

Women's Health and Genetics/Laboratory Corporation of America, LabCorp
Classification: Uncertain significance. Last evaluated: 2024-06-17. Review status: criteria provided, single submitter. Criteria: LabCorp Variant Classification Summary - May 2015. Collection method: clinical testing. Allele origin: germline.

Labcorp Genetics (formerly Invitae), Labcorp
Classification: Uncertain significance. Last evaluated: 2022-10-17. Review status: criteria provided, single submitter. Criteria: Invitae Variant Classification Sherloc (09022015). Collection method: clinical testing. Allele origin: germline.
Comment: This sequence change falls in intron 17 of the ADGRV1 gene. It does not directly change the encoded amino acid sequence of the ADGRV1 protein. It affects a nucleotide within the consensus splice site. This variant is present in population databases (rs200697014, gnomAD 0.004%). This variant has not been reported in the literature in individuals affected with ADGRV1-related conditions. Variants that disrupt the consensus splice site are a relatively common cause of aberrant splicing (PMID: 17576681, 9536098). Algorithms developed to predict the effect of sequence changes on RNA splicing suggest that this variant is not likely to affect RNA splicing. In summary, the available evidence is currently insufficient to determine the role of this variant in disease. Therefore, it has been classified as a Variant of Uncertain Significance.

Literature cited by the submitters: PubMed 17576681 (cited by Labcorp Genetics (formerly Invitae), Labcorp); PubMed 9536098 (cited by Labcorp Genetics (formerly Invitae), Labcorp).

NM_032119.4(ADGRV1):c.3289+4A>C

Gene: ADGRV1 (adhesion G protein-coupled receptor V1; plus strand). Cytogenetic location: 5q14.3.
Variant type: single nucleotide variant.
Coding change: c.3289+4A>C on transcript NM_032119.4 (MANE Select); 4 bases into the intron after coding-DNA position 3289, A replaced by C.
Molecular consequence: intron variant.
Genome position (GRCh38, 1-based): chr5:90,647,768, A>C. VCF-style: chr5-90647768-A-C. GRCh37 (hg19) VCF-style: chr5-89943585-A-C.
Identifiers: ClinVar variation 2201717 (VCV002201717.2), dbSNP rs200697014, ClinGen allele CA3339141.